The following is an entry in ClinVar:

ClinVar aggregate classification (germline): Likely pathogenic (1 of 4 stars; one submission).

Conditions:
Neurodevelopmental disorder with cerebellar atrophy and with or without seizures. Identifiers: MedGen C4748032, MONDO:0020841, OMIM 618056.

Submission:

Laboratory of Human Genetics, Universidade de São Paulo
Classification: Likely pathogenic for Neurodevelopmental disorder with cerebellar atrophy and with or without seizures. Last evaluated: 2022-05-13. Review status: criteria provided, single submitter. Criteria: ACMG Guidelines, 2015. Collection method: research. Allele origin: maternal. Affected: yes. Observed: 2 variant alleles, 2 compound heterozygotes. Clinical features observed: Microcephaly (HP:0000252).
Comment: This variant meets our criteria to be classified as likely pathogenic based upon segregation studies, absence from controls, and in-silico evaluation of pathogenicity.

NM_152743.4(BRAT1):c.430+5G>A

Gene: BRAT1 (BRCA1 associated ATM activator 1; minus strand). Cytogenetic location: 7p22.3.
Variant type: single nucleotide variant.
Coding change: c.430+5G>A on transcript NM_152743.4 (MANE Select); 5 bases into the intron after coding-DNA position 430, G replaced by A.
Molecular consequence: intron variant.
Genome position (GRCh38, 1-based): chr7:2,544,904, C>T on the plus strand (G>A on the coding strand, the complement: BRAT1 is on the minus strand). VCF-style: chr7-2544904-C-T. GRCh37 (hg19) VCF-style: chr7-2584538-C-T.
Other names: c.-95-942G>A (NM_001350627.2); c.430+5G>A (NM_001350626.2).
Identifiers: ClinVar variation 1697223 (VCV001697223.2), dbSNP rs2128399475, ClinGen allele CA2580076708.